The following is an entry in ClinVar:

ClinVar aggregate classification (germline): Pathogenic/Likely pathogenic. Review status: criteria provided, multiple submitters, no conflicts (2 of 4 stars). 5 submissions from 5 submitters: Pathogenic (2); Likely pathogenic (2). 1 of the submissions does not count toward it. Last evaluated 2023-09-06.

Conditions:
Patterned dystrophy of the retinal pigment epithelium (MDPT1). Identifiers: Orphanet 63454, MedGen C1868569, MONDO:0018973.
Stargardt disease (FFM). Also called: Fundus flavimaculatus; Stargardt's disease. Identifiers: Orphanet 827, MedGen C0271093, MONDO:0019353.
PRPH2-related disorder. Also called: PRPH2-related disorders; PRPH2-related condition. Identifiers: MedGen CN239395.
Retinal dystrophy. Also called: Inherited retinal dystrophy. Identifiers: Orphanet 71862, MedGen C0854723, MeSH D058499, MONDO:0019118, HP:0000556.

Submissions (5):

Labcorp Genetics (formerly Invitae), Labcorp
Classification: Pathogenic for PRPH2-related disorder. Last evaluated: 2023-09-06. Review status: criteria provided, single submitter. Criteria: Invitae Variant Classification Sherloc (09022015). Collection method: clinical testing. Allele origin: germline.
Comment: For these reasons, this variant has been classified as Pathogenic. ClinVar contains an entry for this variant (Variation ID: 956620). This premature translational stop signal has been observed in individual(s) with Stargardt disease (PMID: 32531846). This variant is not present in population databases (gnomAD no frequency). This sequence change creates a premature translational stop signal (p.Leu107Serfs*32) in the PRPH2 gene. It is expected to result in an absent or disrupted protein product. Loss-of-function variants in PRPH2 are known to be pathogenic (PMID: 8111389, 8485575, 8485576, 8675410, 16916875, 17504850, 22863181, 25675413, 26061163, 27365499, 29555955, 33546218).

Institute of Medical Genetics and Applied Genomics, University Hospital Tübingen
Classification: Pathogenic for Patterned dystrophy of the retinal pigment epithelium. Last evaluated: 2021-10-25. Review status: criteria provided, single submitter. Criteria: ACMG Guidelines, 2015. Collection method: clinical testing. Allele origin: germline. Inheritance: Autosomal dominant inheritance. Affected: yes.

NEI Ophthalmic Genomics Laboratory, National Institutes of Health
Classification: Likely pathogenic for Stargardt disease. Last evaluated: 2020-01-07. Review status: criteria provided, single submitter. Criteria: ACMG Guidelines, 2015. Collection method: clinical testing. Allele origin: germline. Affected: yes.
Comment: The variant NM_000322.4:c.318delT in the PRPH2 gene has not been reported to our knowledge. This variant is not listed in dbSNP and/or HGMD. It is absent in gnomAD browser. It is not enriched in the PRPH2 disease cohort. We invoked ACMG criteria [PVS1, PM2] and classified NM_000322.4:c.318delT in the PRPH2 gene as a Likely Pathogenic mutation.

Institute of Human Genetics, Univ. Regensburg, Univ. Regensburg
Classification: Likely pathogenic for Retinal dystrophy. Last evaluated: 2019-01-01. Review status: criteria provided, single submitter. Criteria: ACMG Guidelines, 2015. Collection method: clinical testing. Allele origin: germline. Affected: yes.

Leiden Open Variation Database
Classification: Likely pathogenic. Last evaluated: 2021-04-06. Review status: no assertion criteria provided. Collection method: curation. Allele origin: germline. Affected: yes. Not counted in ClinVar's aggregate classification.
Comment: Curator: Global Variome, with Curator vacancy. Submitter to LOVD: Manon Peeters.

Literature cited by the submitters: PubMed 32531846 (cited by 3 submitters); PubMed 8111389 (cited by Labcorp Genetics (formerly Invitae), Labcorp); PubMed 8485575 (cited by Labcorp Genetics (formerly Invitae), Labcorp); PubMed 8485576 (cited by Labcorp Genetics (formerly Invitae), Labcorp); PubMed 8675410 (cited by Labcorp Genetics (formerly Invitae), Labcorp); PubMed 16916875 (cited by Labcorp Genetics (formerly Invitae), Labcorp); PubMed 17504850 (cited by Labcorp Genetics (formerly Invitae), Labcorp); PubMed 22863181 (cited by Labcorp Genetics (formerly Invitae), Labcorp); PubMed 25675413 (cited by Labcorp Genetics (formerly Invitae), Labcorp); PubMed 26061163 (cited by Labcorp Genetics (formerly Invitae), Labcorp); PubMed 27365499 (cited by Labcorp Genetics (formerly Invitae), Labcorp); PubMed 29555955 (cited by Labcorp Genetics (formerly Invitae), Labcorp); PubMed 33546218 (cited by Labcorp Genetics (formerly Invitae), Labcorp); PubMed 3441139 (cited by Institute of Human Genetics, Univ. Regensburg, Univ. Regensburg).

NM_000322.5(PRPH2):c.318del (p.Leu107fs)

Gene: PRPH2 (peripherin 2; minus strand). Cytogenetic location: 6p21.1.
Variant type: Deletion.
Coding change: c.318del on transcript NM_000322.5 (MANE Select); coding-DNA position 318, one base deleted (T; older notation c.318delT).
Protein change: p.Leu107fs; shifts the reading frame from leucine 107.
Molecular consequence: frameshift variant.
Genome position (GRCh38, 1-based): chr6:42,722,017, A deleted on the plus strand (T on the coding strand, the reverse complement: PRPH2 is on the minus strand); the first of 2 consecutive A bases (chr6:42,722,017-42,722,018); deleting either gives the same sequence. VCF-style (leftmost placement, unchanged base first): chr6-42722016-GA-G. GRCh37 (hg19) VCF-style: chr6-42689754-GA-G.
Other names: c.318delT (NM_000322.4); short protein forms L107fs.
Identifiers: ClinVar variation 956620 (VCV000956620.11), dbSNP rs1761913048, ClinGen allele CA1139659526.